The following is an entry in ClinVar:

NM_003467.3(CXCR4):c.945C>T (p.His315=)

Gene: CXCR4 (C-X-C motif chemokine receptor 4; minus strand). Cytogenetic location: 2q22.1.
Variant type: single nucleotide variant.
Coding change: c.945C>T on transcript NM_003467.3 (MANE Select); coding-DNA position 945, C replaced by T.
Protein change: p.His315=; no amino-acid change (histidine 315 retained).
Molecular consequence: synonymous variant.
Genome position (GRCh38, 1-based): chr2:136,114,983, G>A on the plus strand (C>T on the coding strand, the complement: CXCR4 is on the minus strand). VCF-style: chr2-136114983-G-A. GRCh37 (hg19) VCF-style: chr2-136872553-G-A.
Other names: p.His315=; c.957C>T, p.His319= (NM_001008540.2); c.1158C>T, p.His386= (NM_001348056.2); c.1044C>T, p.His348= (NM_001348059.2); c.900C>T, p.His300= (NM_001348060.2).
Identifiers: ClinVar variation 1164267 (VCV001164267.11), dbSNP rs144110709, ClinGen allele CA1890062.
Genomic context (GRCh38, chr2:136,114,983, plus strand): 5'-ACCTCGCTTTCCTTTGGAGAGGATCTTGAGGCTGGACCCTCTGCTCACAGAGGTGAGTGC[G>A]TGCTGGGCAGAGGTTTTAAATTTGGCTCCAAGGAAAGCATAGAGGATGGGGTTCAGACAA-3'
Protein context (NP_003458.1, residues 305-325): LGAKFKTSAQ[His315=]ALTSVSRGSS

ClinVar aggregate classification (germline): Benign/Likely benign. Review status: criteria provided, multiple submitters, no conflicts (2 of 4 stars). 3 submissions from 3 submitters: Benign (1); Likely benign (2). Last evaluated 2026-01-25.

Conditions:
Warts, hypogammaglobulinemia, infections, and myelokathexis. Also called: WHIM syndrome. Identifiers: MedGen C0472817, MONDO:0023880.

Allele frequency attached by ClinVar (database versions not stated): gnomAD exomes 0.00004 and 0.00011; ExAC 0.00012; gnomAD 0.00029 and 0.00030; TOPMed 0.00033; ESP Exome Variant Server 0.00046; 1000 Genomes Project 30x 0.00062; 1000 Genomes Project 0.00080.
gnomAD v4.1: 105 of 1,614,148 alleles (0.0065%); highest among the groups gnomAD compares: African/African-American, 0.11%; no homozygotes.

Submissions (3):

Labcorp Genetics (formerly Invitae), Labcorp
Classification: Benign for Warts, hypogammaglobulinemia, infections, and myelokathexis. Last evaluated: 2026-01-25. Review status: criteria provided, single submitter. Criteria: Invitae Variant Classification Sherloc (09022015). Collection method: clinical testing. Allele origin: germline.

Mayo Clinic Laboratories, Mayo Clinic
Classification: Likely benign. Last evaluated: 2025-10-10. Review status: criteria provided, single submitter. Criteria: ACMG Guidelines, 2015. Collection method: clinical testing. Allele origin: germline. Observed: 1 variant allele.
Comment: BS1, BP4, BP7

Blueprint Genetics
Classification: Likely benign. Last evaluated: 2024-02-21. Review status: criteria provided, single submitter. Criteria: ACMG Guidelines, 2015. Collection method: clinical testing. Allele origin: germline.